The following is an entry in ClinVar:

ClinVar aggregate classification (germline): Likely benign. Review status: criteria provided, multiple submitters, no conflicts (2 of 4 stars). 4 submissions from 4 submitters: Likely benign (3). 1 of the submissions does not count toward it. Last evaluated 2025-12-09.

Conditions:
ALG9 congenital disorder of glycosylation (CDG1L). Also called: ALG9-CDG; CONGENITAL DISORDER OF GLYCOSYLATION, TYPE Il; CDG Il. Identifiers: Orphanet 79328, MedGen C2931006, MONDO:0012117, OMIM 608776.
ALG9-related disorder. Also called: ALG9-related condition.

Allele frequency attached by ClinVar (database versions not stated): gnomAD 0.00005; ExAC 0.00009; TOPMed 0.00009; gnomAD exomes 0.00016.
gnomAD v4.1: 49 of 1,613,360 alleles (0.003%); highest among the groups gnomAD compares: Admixed American, 0.082%; no homozygotes.

Submissions (4):

Labcorp Genetics (formerly Invitae), Labcorp
Classification: Likely benign for ALG9 congenital disorder of glycosylation. Last evaluated: 2025-12-09. Review status: criteria provided, single submitter. Criteria: Invitae Variant Classification Sherloc (09022015). Collection method: clinical testing. Allele origin: germline.

Athena Diagnostics
Classification: Likely benign. Last evaluated: 2024-04-04. Review status: criteria provided, single submitter. Criteria: Athena Diagnostics Criteria. Collection method: clinical testing. Allele origin: unknown.

GeneDx
Classification: Likely benign. Last evaluated: 2016-02-23. Review status: criteria provided, single submitter. Criteria: GeneDx Variant Classification (06012015). Collection method: clinical testing. Allele origin: germline. Affected: yes.
Comment: This variant is considered likely benign or benign based on one or more of the following criteria: it is a conservative change, it occurs at a poorly conserved position in the protein, it is predicted to be benign by multiple in silico algorithms, and/or has population frequency not consistent with disease.

PreventionGenetics, part of Exact Sciences
Classification: Likely benign for ALG9-related condition. Last evaluated: 2023-08-17. Review status: no assertion criteria provided. Collection method: clinical testing. Allele origin: germline. Not counted in ClinVar's aggregate classification.
Comment: This variant is classified as likely benign based on ACMG/AMP sequence variant interpretation guidelines (Richards et al. 2015 PMID: 25741868, with internal and published modifications).

NM_024740.2(ALG9):c.896-3C>T

Gene: ALG9 (ALG9 alpha-1,2-mannosyltransferase; minus strand). Cytogenetic location: 11q23.1.
Variant type: single nucleotide variant.
Coding change: c.896-3C>T on transcript NM_024740.2 (MANE Select); 3 bases into the intron before coding-DNA position 896, C replaced by T.
Molecular consequence: intron variant.
Genome position (GRCh38, 1-based): chr11:111,844,726, G>A on the plus strand (C>T on the coding strand, the complement: ALG9 is on the minus strand). VCF-style: chr11-111844726-G-A. GRCh37 (hg19) VCF-style: chr11-111715449-G-A.
Other names: c.383-3C>T (NM_001352409.1, NM_001352410.1, NM_001352413.1 and 11 more transcripts); c.896-3917C>T (NM_001352418.1); c.896-3C>T (NM_001352417.1, NM_001077690.1); c.308-3C>T (NM_001352422.2); c.383-3917C>T (NM_001352423.2).
Identifiers: ClinVar variation 383735 (VCV000383735.11), dbSNP rs782063335, ClinGen allele CA6274523.